The following is an entry in ClinVar:

NM_001253697.2(ERBIN):c.3310T>C (p.Tyr1104His)

Gene: ERBIN (erbb2 interacting protein; plus strand). Cytogenetic location: 5q12.3.
Variant type: single nucleotide variant.
Coding change: c.3310T>C on transcript NM_001253697.2 (MANE Select); coding-DNA position 3310, T replaced by C.
Protein change: p.Tyr1104His; replaces tyrosine 1104 with histidine.
Molecular consequence: missense variant.
Genome position (GRCh38, 1-based): chr5:66,054,628, T>C. VCF-style: chr5-66054628-T-C. GRCh37 (hg19) VCF-style: chr5-65350456-T-C.
Other names: c.3310T>C, p.Tyr1104His (NM_001006600.3, NM_001253698.2, NM_001253699.2 and 1 more transcripts); c.3298T>C, p.Tyr1100His (NM_001253701.2); short protein forms Y1100H, Y1104H.
Identifiers: ClinVar variation 2060585 (VCV002060585.4), dbSNP rs1209489016, ClinGen allele CA359869562.

ClinVar aggregate classification (germline): Uncertain significance (1 of 4 stars; one submission).

Allele frequency attached by ClinVar (database versions not stated): TOPMed below 0.00001; gnomAD 0.00001.
gnomAD v4.1: 1 of 1,613,970 alleles (0.000062%); highest among the groups gnomAD compares: Non-Finnish European, 0.000085%; no homozygotes.

Submission:

Labcorp Genetics (formerly Invitae), Labcorp
Classification: Uncertain significance. Last evaluated: 2023-06-09. Review status: criteria provided, single submitter. Criteria: Invitae Variant Classification Sherloc (09022015). Collection method: clinical testing. Allele origin: germline.
Comment: In summary, the available evidence is currently insufficient to determine the role of this variant in disease. Therefore, it has been classified as a Variant of Uncertain Significance. An algorithm developed to predict the effect of missense changes on protein structure and function (PolyPhen-2) suggests that this variant is likely to be disruptive. ClinVar contains an entry for this variant (Variation ID: 2060585). This variant has not been reported in the literature in individuals affected with ERBIN-related conditions. This variant is not present in population databases (gnomAD no frequency). This sequence change replaces tyrosine, which is neutral and polar, with histidine, which is basic and polar, at codon 1104 of the ERBIN protein (p.Tyr1104His).